The following is an entry in ClinVar:

ClinVar aggregate classification (germline): Uncertain significance. Review status: criteria provided, multiple submitters, no conflicts (2 of 4 stars). 2 submissions from 2 submitters: Uncertain significance (2). Last evaluated 2022-01-05.

Conditions:
Hereditary cancer-predisposing syndrome. Also called: Hereditary Cancer Syndrome; Hereditary neoplastic syndrome; Neoplastic Syndromes, Hereditary; Tumor predisposition. Identifiers: Orphanet 140162, MedGen C0027672, MeSH D009386, MONDO:0015356.
Rhabdoid tumor predisposition syndrome 2 (RTPS2). Identifiers: Orphanet 231108, Orphanet 69077, MedGen C2750074, MONDO:0013224, OMIM 613325.

Allele frequency attached by ClinVar (database versions not stated): gnomAD exomes 0.00001.
gnomAD v4.1: 4 of 1,603,502 alleles (0.00025%); highest among the groups gnomAD compares: Non-Finnish European, 0.00034%; no homozygotes.

Submissions (2):

Labcorp Genetics (formerly Invitae), Labcorp
Classification: Uncertain significance for Rhabdoid tumor predisposition syndrome 2. Last evaluated: 2022-01-05. Review status: criteria provided, single submitter. Criteria: Invitae Variant Classification Sherloc (09022015). Collection method: clinical testing. Allele origin: germline.
Comment: This sequence change replaces glutamine, which is neutral and polar, with arginine, which is basic and polar, at codon 1411 of the SMARCA4 protein (p.Gln1411Arg). In summary, the available evidence is currently insufficient to determine the role of this variant in disease. Therefore, it has been classified as a Variant of Uncertain Significance. Algorithms developed to predict the effect of missense changes on protein structure and function (SIFT, PolyPhen-2, Align-GVGD) all suggest that this variant is likely to be tolerated. This variant has not been reported in the literature in individuals affected with SMARCA4-related conditions. This variant is not present in population databases (gnomAD no frequency).

Ambry Genetics
Classification: Uncertain significance for Hereditary cancer-predisposing syndrome. Last evaluated: 2020-09-14. Review status: criteria provided, single submitter. Criteria: Ambry Variant Classification Scheme 2023. Collection method: clinical testing. Allele origin: germline.
Comment: The p.Q1411R variant (also known as c.4232A>G), located in coding exon 29 of the SMARCA4 gene, results from an A to G substitution at nucleotide position 4232. The glutamine at codon 1411 is replaced by arginine, an amino acid with highly similar properties. This amino acid position is highly conserved in available vertebrate species. In addition, this alteration is predicted to be tolerated by in silico analysis. Since supporting evidence is limited at this time, the clinical significance of this alteration remains unclear.

NM_001387283.1(SMARCA4):c.4232A>G (p.Gln1411Arg)

Gene: SMARCA4 (SWI/SNF related BAF chromatin remodeling complex subunit ATPase 4; plus strand). Cytogenetic location: 19p13.2.
Variant type: single nucleotide variant.
Coding change: c.4232A>G on transcript NM_001387283.1 (MANE Plus Clinical); coding-DNA position 4232, A replaced by G.
Protein change: p.Gln1411Arg; replaces glutamine 1411 with arginine.
Molecular consequence: missense variant. On other transcripts: intron variant (7).
Genome position (GRCh38, 1-based): chr19:11,039,519, A>G. VCF-style: chr19-11039519-A-G. GRCh37 (hg19) VCF-style: chr19-11150195-A-G.
Other names: c.4232A>G, p.Gln1411Arg (NM_001128849.3); c.4133A>G, p.Gln1378Arg (NM_001411150.1); c.4171-1788A>G (NM_001128844.3, NM_003072.5); c.4072-1788A>G (NM_001128847.4, NM_001374457.1, NM_001128848.2); c.4072-1779A>G (NM_001128845.2, NM_001128846.2); short protein forms Q1378R, Q1411R.
Identifiers: ClinVar variation 1738920 (VCV001738920.7), dbSNP rs2515443662, ClinGen allele CA404071648.